The following is an entry in ClinVar:

NM_001128205.2(SULF1):c.573C>T (p.Phe191=)

Gene: SULF1 (sulfatase 1; plus strand). Cytogenetic location: 8q13.2.
Variant type: single nucleotide variant.
Coding change: c.573C>T on transcript NM_001128205.2 (MANE Select); coding-DNA position 573, C replaced by T.
Protein change: p.Phe191=; no amino-acid change (phenylalanine 191 retained).
Molecular consequence: synonymous variant. On other transcripts: non-coding transcript variant (6), intron variant (3).
Genome position (GRCh38, 1-based): chr8:69,588,980, C>T. VCF-style: chr8-69588980-C-T. GRCh37 (hg19) VCF-style: chr8-70501215-C-T.
Other names: c.573C>T, p.Phe191= (NM_001128204.2, NM_001128206.2, NM_001412828.1 and 18 more transcripts); c.387C>T, p.Phe129= (NM_001412841.1, NM_001412842.1); c.39-66C>T (NM_001412845.1, NM_001412844.1); c.-1137-66C>T (NM_001412846.1).
Identifiers: ClinVar variation 3669286 (VCV003669286.2).
Genomic context (GRCh38, chr8:69,588,980, plus strand): 5'-TGATGAATGTCACCTTTTGTAATTTTTGTTTTGTGTCAAATGTATGTTTCAGGACTACTT[C>T]ACAGACTTAATCACTAACGAGAGCATTAATTACTTCAAAATGTCTAAGAGAATGTATCCC-3'
Protein context (NP_001121677.1, residues 181-201): KHGFDYAKDY[Phe191=]TDLITNESIN

ClinVar aggregate classification (germline): Uncertain significance (1 of 4 stars; one submission).

gnomAD v4.1: 1 of 1,612,682 alleles (0.000062%); highest among the groups gnomAD compares: South Asian, 0.0011%; no homozygotes.

Submission:

Labcorp Genetics (formerly Invitae), Labcorp
Classification: Uncertain significance. Last evaluated: 2024-04-15. Review status: criteria provided, single submitter. Criteria: Invitae Variant Classification Sherloc (09022015). Collection method: clinical testing. Allele origin: germline.
Comment: This sequence change affects codon 191 of the SULF1 mRNA. It is a 'silent' change, meaning that it does not change the encoded amino acid sequence of the SULF1 protein. This variant is not present in population databases (gnomAD no frequency). This variant has not been reported in the literature in individuals affected with SULF1-related conditions. Algorithms developed to predict the effect of sequence changes on RNA splicing suggest that this variant may disrupt the consensus splice site. In summary, the available evidence is currently insufficient to determine the role of this variant in disease. Therefore, it has been classified as a Variant of Uncertain Significance.